The following is an entry in ClinVar:

NM_001164508.2(NEB):c.11755G>A (p.Asp3919Asn)

Gene: NEB (nebulin; minus strand). Cytogenetic location: 2q23.3.
Variant type: single nucleotide variant.
Coding change: c.11755G>A on transcript NM_001164508.2 (MANE Select); coding-DNA position 11755, G replaced by A.
Protein change: p.Asp3919Asn; replaces aspartic acid 3919 with asparagine.
Molecular consequence: missense variant.
Genome position (GRCh38, 1-based): chr2:151,612,236, C>T on the plus strand (G>A on the coding strand, the complement: NEB is on the minus strand). VCF-style: chr2-151612236-C-T. GRCh37 (hg19) VCF-style: chr2-152468750-C-T.
Other names: c.11755G>A, p.Asp3919Asn (NM_001164507.2, NM_001271208.2); c.11026G>A, p.Asp3676Asn (NM_004543.5); c.11026G>A (NM_004543.4); short protein forms D3919N, D3676N.
Identifiers: ClinVar variation 465441 (VCV000465441.16), dbSNP rs201483656, ClinGen allele CA1908683.

ClinVar aggregate classification (germline): Conflicting classifications of pathogenicity. Review status: criteria provided, conflicting classifications (1 of 4 stars). 5 submissions from 5 submitters: Uncertain significance (3); Benign (1). 1 of the submissions does not count toward it. Last evaluated 2026-09-22.

Conditions:
Nemaline myopathy 2 (NEM2). Also called: Nemaline myopathy 2, autosomal recessive. Identifiers: MedGen C1850569, MONDO:0009725, OMIM 256030.
Inborn genetic diseases. Identifiers: MedGen C0950123, MeSH D030342.

Allele frequency attached by ClinVar (database versions not stated): ESP Exome Variant Server 0.00016; TOPMed 0.00011.
gnomAD v4.1: 51 of 1,613,700 alleles (0.0032%); highest among the groups gnomAD compares: African/African-American, 0.027%; no homozygotes.

Submissions (5):

GeneDx
Classification: Uncertain significance. Last evaluated: 2026-09-22. Review status: criteria provided, single submitter. Criteria: GeneDx Variant Classification Process June 2021. Collection method: clinical testing. Allele origin: germline.
Comment: In silico analysis supports that this missense variant has a deleterious effect on protein structure/function; Has not been previously published as pathogenic or benign to our knowledge

Labcorp Genetics (formerly Invitae), Labcorp
Classification: Benign for Nemaline myopathy 2. Last evaluated: 2026-01-26. Review status: criteria provided, single submitter. Criteria: Invitae Variant Classification Sherloc (09022015). Collection method: clinical testing. Allele origin: germline.

Ambry Genetics
Classification: Uncertain significance for Inborn genetic diseases. Last evaluated: 2026-01-14. Review status: criteria provided, single submitter. Criteria: Ambry Variant Classification Scheme 2023. Collection method: clinical testing. Allele origin: germline.
Comment: The c.11026G>A (p.D3676N) alteration is located in exon 75 (coding exon 73) of the NEB gene. This alteration results from a G to A substitution at nucleotide position 11026, causing the aspartic acid (D) at amino acid position 3676 to be replaced by an asparagine (N). Based on data from gnomAD, the A allele has an overall frequency of 0.003% (9/280334) total alleles studied. The highest observed frequency was 0.025% (6/24192) of African alleles. Based on insufficient or conflicting evidence, the clinical significance of this alteration remains unclear.

Revvity Omics, Revvity
Classification: Uncertain significance. Last evaluated: 2023-07-18. Review status: criteria provided, single submitter. Criteria: ACMG Guidelines, 2015. Collection method: clinical testing. Allele origin: germline.

Natera, Inc.
Classification: Uncertain significance for Nemaline myopathy type 2. Last evaluated: 2019-11-11. Review status: no assertion criteria provided. Collection method: clinical testing. Allele origin: germline. Not counted in ClinVar's aggregate classification.